The following is an entry in ClinVar:

ClinVar aggregate classification (germline): Uncertain significance. Review status: criteria provided, multiple submitters, no conflicts (2 of 4 stars). 2 submissions from 2 submitters: Uncertain significance (2). Last evaluated 2020-09-30.

Conditions:
Muscular dystrophy, limb-girdle, autosomal recessive 23. Identifiers: Orphanet 565837, MedGen C4748327, MONDO:0029136, OMIM 618138.
Merosin deficient congenital muscular dystrophy (MDC1A). Also called: Congenital merosin-deficient muscular dystrophy 1A; Congenital Muscular Dystrophy Type 1A (MDC1A). Identifiers: Orphanet 258, MedGen C1263858, MONDO:0011925, OMIM 607855.
LAMA2-related muscular dystrophy (LAMA2-RD). Also called: Laminin alpha 2-related dystrophy. Identifiers: MedGen C5679788, MONDO:0100228.

Allele frequency attached by ClinVar (database versions not stated): gnomAD exomes below 0.00001.
gnomAD v4.1: 1 of 1,612,140 alleles (0.000062%); highest among the groups gnomAD compares: Admixed American, 0.0017%; no homozygotes.

Submissions (2):

Breda Genetics srl
Classification: Uncertain significance for Merosin deficient congenital muscular dystrophy; Muscular dystrophy, limb-girdle, autosomal recessive 23. Last evaluated: 2020-09-30. Review status: criteria provided, single submitter. Criteria: ACMG Guidelines, 2015. Collection method: clinical testing. Allele origin: germline. Inheritance: Autosomal recessive inheritance. Affected: yes. Observed: 1 variant allele, 1 homozygote.
Comment: The variant c.1206G>C (p.Gly402Gly) in the LAMA2 gene is reported as uncertain for laminin alpha 2-related dystrophy in ClinVar (Variation ID: 477438). The variant is reported with an estimated allele frequency of 0.000003985 in gnomAD exomes, with no homozygous individuals reported. The nucleotide position is highly conserved across 35 mammalian species (GERP RS: 6.06). This is a synonymous variant, which does not alter the amino acid sequence. Since the variant is located at the last nucleotide position of exon 8, it might have an impact on the splicing process (Human Splicing Finder â€“ HSF 3.0 â€“ predicts that the variant most probably affects splicing, altering the WT donor site). Gonorazky et al. (2019) reported the case of a proband with congenital muscular dystrophy 1A, who was compound heterozygote for a missense and a synonymous variant (c.4860G>A, p.Lys1620Lys) that falls on the last nucleotide of exon 33. The synonymous variant causes an exon-skipping event, that leads to a frameshift with stop-gain in exon 35. Overall, the LAMA2 expression was decreased (PMID: 30827497). Based on ACMG variant interpretation guidelines, we classify this variant as uncertain. However, based on the aforementioned evidence, there is a given likelihood that the variant may actually be pathogenic, even if we cannot exclude that it is a rare benign variant.

Labcorp Genetics (formerly Invitae), Labcorp
Classification: Uncertain significance for LAMA2-related muscular dystrophy. Last evaluated: 2019-06-09. Review status: criteria provided, single submitter. Criteria: Invitae Variant Classification Sherloc (09022015). Collection method: clinical testing. Allele origin: germline.
Comment: This sequence change affects codon 402 of the LAMA2 mRNA. It is a 'silent' change, meaning that it does not change the encoded amino acid sequence of the LAMA2 protein. This variant also falls at the last nucleotide of exon 8 of the LAMA2 coding sequence, which is part of the consensus splice site for this exon. This variant is not present in population databases (ExAC no frequency) and has not been reported in the literature in individuals with a LAMA2-related disease. Nucleotide substitutions within the consensus splice site are relatively common causes of aberrant splicing (PMID: 17576681, 9536098). Algorithms developed to predict the effect of nucleotide changes on RNA splicing suggest that this variant may alter RNA splicing, but this prediction has not been confirmed by published transcriptional studies. In summary, this is a novel silent change with uncertain impact on splicing. It has been classified as a Variant of Uncertain Significance.

Literature cited by the submitters: PubMed 30827497 (cited by Breda Genetics srl); PubMed 17576681 (cited by Labcorp Genetics (formerly Invitae), Labcorp); PubMed 9536098 (cited by Labcorp Genetics (formerly Invitae), Labcorp).

NM_000426.4(LAMA2):c.1206G>C (p.Gly402=)

Gene: LAMA2 (laminin subunit alpha 2; plus strand). Cytogenetic location: 6q22.33.
Variant type: single nucleotide variant.
Coding change: c.1206G>C on transcript NM_000426.4 (MANE Select); coding-DNA position 1206, G replaced by C.
Protein change: p.Gly402=; no amino-acid change (glycine 402 retained).
Molecular consequence: synonymous variant.
Genome position (GRCh38, 1-based): chr6:129,154,683, G>C. VCF-style: chr6-129154683-G-C. GRCh37 (hg19) VCF-style: chr6-129475828-G-C.
Other names: c.1206G>C, p.Gly402= (NM_001079823.2).
Identifiers: ClinVar variation 477438 (VCV000477438.14), dbSNP rs1167723109, ClinGen allele CA451927076.